The following is an entry in ClinVar:

ClinVar aggregate classification (germline): Pathogenic (1 of 4 stars; one submission).

Submission:

Labcorp Genetics (formerly Invitae), Labcorp
Classification: Pathogenic. Last evaluated: 2025-06-12. Review status: criteria provided, single submitter. Criteria: Invitae Variant Classification Sherloc (09022015). Collection method: clinical testing. Allele origin: germline.
Comment: This sequence change creates a premature translational stop signal (p.Ser115Glyfs*48) in the FAM20A gene. It is expected to result in an absent or disrupted protein product. Loss-of-function variants in FAM20A are known to be pathogenic (PMID: 21990045, 23434854). This variant is present in population databases (rs774696595, gnomAD 0.01%). This variant has not been reported in the literature in individuals affected with FAM20A-related conditions. ClinVar contains an entry for this variant (Variation ID: 3682624). For these reasons, this variant has been classified as Pathogenic.

Literature cited by the submitters: PubMed 21990045; PubMed 23434854.

NM_017565.4(FAM20A):c.343_362del (p.Ser115fs)

Gene: FAM20A (FAM20A golgi associated secretory pathway pseudokinase; minus strand). Cytogenetic location: 17q24.2.
Variant type: Deletion.
Coding change: c.343_362del on transcript NM_017565.4 (MANE Select); coding-DNA positions 343 to 362, 20 bases deleted (TCGCTCCTGGCCAGCCAGGA).
Protein change: p.Ser115fs; shifts the reading frame from serine 115.
Molecular consequence: frameshift variant. On other transcripts: 5 prime UTR variant (1).
Genome position (GRCh38, 1-based): chr17:68,600,305-68,600,324, TCCTGGCTGGCCAGGAGCGA deleted on the plus strand (TCGCTCCTGGCCAGCCAGGA on the coding strand, the reverse complement: FAM20A is on the minus strand). VCF-style (leftmost placement, unchanged base first): chr17-68600304-CTCCTGGCTGGCCAGGAGCGA-C. GRCh37 (hg19) VCF-style: chr17-66596445-CTCCTGGCTGGCCAGGAGCGA-C.
Other names: c.-298_-279del (NM_001243746.2); short protein forms S115fs.
Identifiers: ClinVar variation 3682624 (VCV003682624.2).